The following is an entry in ClinVar:

ClinVar aggregate classification (germline): Pathogenic (1 of 4 stars; one submission).

Conditions:
Kennedy disease (SMAX1). Also called: SPINAL AND BULBAR MUSCULAR ATROPHY, X-LINKED 1; KENNEDY SPINAL AND BULBAR MUSCULAR ATROPHY; Spinal and Bulbar Muscular Atrophy. Identifiers: Orphanet 481, MedGen C1839259, MONDO:0010735, OMIM 313200.
Androgen resistance syndrome (AIS). Also called: DHTR DEFICIENCY; DIHYDROTESTOSTERONE RECEPTOR DEFICIENCY; ANDROGEN RECEPTOR DEFICIENCY; TESTICULAR FEMINIZATION SYNDROME; Androgen insensitivity syndrome; Androgen insensitivity. Identifiers: Orphanet 754, Orphanet 99429, MedGen C0039585, MONDO:0019154, OMIM 300068. Disease mechanism: loss of function.

Submission:

Labcorp Genetics (formerly Invitae), Labcorp
Classification: Pathogenic for Kennedy disease; Androgen resistance syndrome. Last evaluated: 2023-06-25. Review status: criteria provided, single submitter. Criteria: Invitae Variant Classification Sherloc (09022015). Collection method: clinical testing. Allele origin: germline.
Comment: This sequence change affects an acceptor splice site in intron 5 of the AR gene. It is expected to disrupt RNA splicing. Variants that disrupt the donor or acceptor splice site typically lead to a loss of protein function (PMID: 16199547), and loss-of-function variants in AR are known to be pathogenic (PMID: 19463997). This variant is not present in population databases (gnomAD no frequency). Disruption of this splice site has been observed in individual(s) with complete androgen insensitivity syndrome (Invitae). Algorithms developed to predict the effect of sequence changes on RNA splicing suggest that this variant may disrupt the consensus splice site. For these reasons, this variant has been classified as Pathogenic.

Literature cited by the submitters: PubMed 16199547; PubMed 19463997.

NM_000044.6(AR):c.2319-1G>C

Gene: AR (androgen receptor; plus strand). Cytogenetic location: Xq12.
Variant type: single nucleotide variant.
Coding change: c.2319-1G>C on transcript NM_000044.6 (MANE Select); the canonical splice acceptor site of the intron before coding-DNA position 2319, G replaced by C.
Molecular consequence: splice acceptor variant.
Genome position (GRCh38, 1-based): chrX:67,721,832, G>C. VCF-style: chrX-67721832-G-C. GRCh37 (hg19) VCF-style: chrX-66941674-G-C.
Other names: c.723-1G>C (NM_001011645.3).
Identifiers: ClinVar variation 2949326 (VCV002949326.3), dbSNP rs2147535484, ClinGen allele CA413426335.